The following is an entry in ClinVar:

NM_138420.4(AHNAK2):c.10429_10443del (p.3472KFKMP[1])

Gene: AHNAK2 (AHNAK nucleoprotein 2; minus strand). Cytogenetic location: 14q32.33.
Variant type: Deletion.
Coding change: c.10429_10443del on transcript NM_138420.4 (MANE Select); coding-DNA positions 10429 to 10443, 15 bases deleted (AAGTTCAAGATGCCC).
Protein change: p.3472KFKMP[1].
Molecular consequence: inframe deletion.
Genome position (GRCh38, 1-based): chr14:104,945,008-104,945,022, GGGCATCTTGAACTT deleted on the plus strand (AAGTTCAAGATGCCC on the coding strand, the reverse complement: AHNAK2 is on the minus strand); deleting any 15 consecutive bases within chr14:104,945,008-104,945,028 gives the same sequence; the c. name uses the placement nearest the transcript's 3' end. VCF-style (leftmost placement, unchanged base first): chr14-104945007-AGGGCATCTTGAACTT-A. GRCh37 (hg19) VCF-style: chr14-105411344-AGGGCATCTTGAACTT-A.
Other names: c.10129_10143del, p.3372KFKMP[1] (NM_001350929.2).
Identifiers: ClinVar variation 2644668 (VCV002644668.24), dbSNP rs755948408, ClinGen allele CA7379145.

ClinVar aggregate classification (germline): Likely benign (1 of 4 stars; one submission).

Submission:

CeGaT Center for Human Genetics Tuebingen
Classification: Likely benign. Last evaluated: 2024-03-01. Review status: criteria provided, single submitter. Criteria: CeGaT Center For Human Genetics Tuebingen Variant Classification Criteria Version 2. Collection method: clinical testing. Allele origin: germline. Affected: yes. Observed: 6 variant alleles.
Comment: AHNAK2: PM4, BS2